The following is an entry in ClinVar:

NM_001370259.2(MEN1):c.1386C>A (p.Ala462=)

Gene: MEN1 (menin 1; minus strand). Cytogenetic location: 11q13.1.
Variant type: single nucleotide variant.
Coding change: c.1386C>A on transcript NM_001370259.2 (MANE Select); coding-DNA position 1386, C replaced by A.
Protein change: p.Ala462=; no amino-acid change (alanine 462 retained).
Molecular consequence: synonymous variant.
Genome position (GRCh38, 1-based): chr11:64,804,781, G>T on the plus strand (C>A on the coding strand, the complement: MEN1 is on the minus strand). VCF-style: chr11-64804781-G-T. GRCh37 (hg19) VCF-style: chr11-64572253-G-T.
Other names: c.1401C>A, p.Ala467= (NM_000244.4, NM_130800.3, NM_130801.3 and 3 more transcripts); c.1512C>A, p.Ala504= (NM_001370251.2); c.1386C>A, p.Ala462= (NM_001370260.2, NM_001370261.2, NM_130799.3); c.1281C>A, p.Ala427= (NM_001370262.2, NM_001370263.2).
Identifiers: ClinVar variation 457291 (VCV000457291.15), dbSNP rs771827808, ClinGen allele CA060579.
Genomic context (GRCh38, chr11:64,804,781, plus strand): 5'-GCCCCGCCGCCGGCCTTCCCGGGCTTCCTCGCCCCACGGCTCCTCGGCCTCGGCCGCCTC[G>T]GCCTCTCGGCTCACTATGCGCACCTTCTGCCGCACCTGGGCCAGTGGGGAGAGCAAGGTG-3'
Protein context (NP_001357188.2, residues 452-472): RQKVRIVSRE[Ala462=]EAAEAEEPWG

ClinVar aggregate classification (germline): Benign/Likely benign. Review status: criteria provided, multiple submitters, no conflicts (2 of 4 stars). 4 submissions from 4 submitters: Benign (1); Likely benign (3). Last evaluated 2026-01-04.

Conditions:
Hereditary cancer-predisposing syndrome. Also called: Hereditary Cancer Syndrome; Hereditary neoplastic syndrome; Tumor predisposition; Neoplastic Syndromes, Hereditary. Identifiers: Orphanet 140162, MedGen C0027672, MeSH D009386, MONDO:0015356.
Multiple endocrine neoplasia, type 1 (MEN1). Also called: MEN I; WERMER SYNDROME; Endocrine adenomatosis multiple; MEN 1; MEA I. Identifiers: Orphanet 652, MedGen C0025267, MeSH D018761, MONDO:0007540, OMIM 131100.

Allele frequency attached by ClinVar (database versions not stated): gnomAD 0.00003 and 0.00004; TOPMed 0.00006.
gnomAD v4.1: 6 of 1,596,696 alleles (0.00038%); highest among the groups gnomAD compares: African/African-American, 0.008%; no homozygotes.

Submissions (4):

Labcorp Genetics (formerly Invitae), Labcorp
Classification: Likely benign for Multiple endocrine neoplasia, type 1. Last evaluated: 2026-01-04. Review status: criteria provided, single submitter. Criteria: Invitae Variant Classification Sherloc (09022015). Collection method: clinical testing. Allele origin: germline.

Myriad Genetics, Inc.
Classification: Benign for Multiple endocrine neoplasia, type 1. Last evaluated: 2024-11-05. Review status: criteria provided, single submitter. Criteria: Myriad Autosomal Dominant, Autosomal Recessive and X-Linked Classification Criteria (2023). Collection method: clinical testing. Allele origin: unknown.
Comment: This variant is considered benign. This variant is a silent/synonymous amino acid change and it is not expected to impact splicing.

All of Us Research Program, National Institutes of Health
Classification: Likely benign for Multiple endocrine neoplasia, type 1. Last evaluated: 2023-03-23. Review status: criteria provided, single submitter. Criteria: ACMG Guidelines, 2015. Collection method: clinical testing. Allele origin: germline. Inheritance: Autosomal dominant inheritance. Observed: 1 variant allele, 1 heterozygote.
Comment: This study involves interpretation of variants in research participants for the purpose of population health screening. Participant phenotype was not available at the time of variant classification. Additional details can be found in publication PMID: 35346344, PMCID: PMC8962531

Ambry Genetics
Classification: Likely benign for Hereditary cancer-predisposing syndrome. Last evaluated: 2020-01-07. Review status: criteria provided, single submitter. Criteria: Ambry Variant Classification Scheme 2023. Collection method: clinical testing. Allele origin: germline.